The following is an entry in ClinVar:

ClinVar aggregate classification (germline): Likely pathogenic. Review status: criteria provided, single submitter (1 of 4 stars). 3 submissions from 2 submitters: Likely pathogenic (1). 2 of the submissions do not count toward it. Last evaluated 2026-09-08.

Conditions:
Fabry disease. Also called: ALPHA-GALACTOSIDASE A DEFICIENCY; ANDERSON-FABRY DISEASE; CERAMIDE TRIHEXOSIDASE DEFICIENCY; Fabry's disease; Angiokeratoma corporis diffusum; Ceramide trihexosidosis. Identifiers: Orphanet 324, MedGen C0002986, MONDO:0010526, OMIM 301500, HP:0001071. Disease mechanism: loss of function, Fabry disease is due to inactivating mutations in the X-linked GLA gene resulting in deficiency of the enzyme Alpha Galactosidase-A..
Migalastat response. Also called: 1-Deoxygalactonojirimycin response; Galafold response. Identifiers: MedGen CN233149.

Submissions (3):

Genomenon, Inc
Classification: Likely pathogenic for Fabry disease. Last evaluated: 2026-09-08. Review status: criteria provided, single submitter. Criteria: Genomenon Sequence Variant Interpretation Standards - Updated. Collection method: curation. Allele origin: germline. Affected: yes.
Comment: GLA p.Ile64Phe (c.190A>T) is a missense variant that changes the amino acid at codon 64 from Isoleucine to Phenylalanine. This variant has been observed in at least one proband with clinical features consistent with Fabry disease (PMID:26415523). At least one functional study has demonstrated a substantial alteration in protein function relative to the wild-type (PMID:26415523). It is absent or not present at a significant frequency in gnomAD. In silico models predict that this variant is possibly or probably damaging. In conclusion, we classify GLA p.Ile64Phe (c.190A>T) as a likely pathogenic variant.

Albrecht-Kossel-Institute, Medical University Rostock
Classification: Pathogenic for Fabry's disease. Last evaluated: 2014-01-01. Review status: no assertion criteria provided. Collection method: research. Allele origin: inherited. Not counted in ClinVar's aggregate classification.

Albrecht-Kossel-Institute, Medical University Rostock
Classification: drug response for deoxygalactonojirimycin response. Last evaluated: 2014-01-01. Review status: no assertion criteria provided. Collection method: research. Allele origin: inherited. Not counted in ClinVar's aggregate classification.

Literature cited by the submitters: PubMed 26415523 (cited by Genomenon, Inc and Albrecht-Kossel-Institute, Medical University Rostock).

NM_000169.3(GLA):c.190A>T (p.Ile64Phe)

Genes: GLA (galactosidase alpha; minus strand), RPL36A-HNRNPH2 (RPL36A-HNRNPH2 readthrough; plus strand). Cytogenetic location: Xq22.1.
Variant type: single nucleotide variant.
Coding change: c.190A>T on transcript NM_000169.3 (MANE Select); coding-DNA position 190, A replaced by T.
Protein change: p.Ile64Phe; replaces isoleucine 64 with phenylalanine.
Molecular consequence: missense variant. On other transcripts: non-coding transcript variant (3), intron variant (2).
Genome position (GRCh38, 1-based): chrX:101,407,714, T>A on the plus strand (A>T on the coding strand, the complement: GLA is on the minus strand). VCF-style: chrX-101407714-T-A. GRCh37 (hg19) VCF-style: chrX-100662702-T-A.
Other names: c.190A>T, p.Ile64Phe (NM_001406749.1, NM_001406747.1, NM_001406748.1); c.301-4222T>A (NM_001199973.2); c.178-4222T>A (NM_001199974.2); short protein forms I64F.
Identifiers: ClinVar variation 217378 (VCV000217378.3), dbSNP rs869312139, ClinGen allele CA353104.